The following is an entry in ClinVar:

ClinVar aggregate classification (germline): Uncertain significance. Review status: criteria provided, multiple submitters, no conflicts (2 of 4 stars). 2 submissions from 2 submitters: Uncertain significance (2). Last evaluated 2025-04-28.

Conditions:
Neonatal-onset encephalopathy with rigidity and seizures. Also called: Lethal neonatal spasticity-epileptic encephalopathy syndrome. Identifiers: Orphanet 435845, MedGen C3281029, MONDO:0013784, OMIM 614498.

Allele frequency attached by ClinVar (database versions not stated): gnomAD exomes below 0.00001; TOPMed below 0.00001; ExAC 0.00001; gnomAD 0.00001.
gnomAD v4.1: 2 of 1,607,252 alleles (0.00012%); highest among the groups gnomAD compares: African/African-American, 0.0013%; no homozygotes.

Submissions (2):

Labcorp Genetics (formerly Invitae), Labcorp
Classification: Uncertain significance for Neonatal-onset encephalopathy with rigidity and seizures. Last evaluated: 2025-04-28. Review status: criteria provided, single submitter. Criteria: Invitae Variant Classification Sherloc (09022015). Collection method: clinical testing. Allele origin: germline.
Comment: This sequence change replaces proline, which is neutral and non-polar, with serine, which is neutral and polar, at codon 377 of the BRAT1 protein (p.Pro377Ser). This variant is present in population databases (rs780327501, gnomAD 0.001%). This variant has not been reported in the literature in individuals affected with BRAT1-related conditions. ClinVar contains an entry for this variant (Variation ID: 1299061). Invitae Evidence Modeling of protein sequence and biophysical properties (such as structural, functional, and spatial information, amino acid conservation, physicochemical variation, residue mobility, and thermodynamic stability) indicates that this missense variant is not expected to disrupt BRAT1 protein function with a negative predictive value of 95%. In summary, the available evidence is currently insufficient to determine the role of this variant in disease. Therefore, it has been classified as a Variant of Uncertain Significance.

CeGaT Center for Human Genetics Tuebingen
Classification: Uncertain significance. Last evaluated: 2021-07-01. Review status: criteria provided, single submitter. Criteria: CeGaT Center For Human Genetics Tuebingen Variant Classification Criteria Version 2. Collection method: clinical testing. Allele origin: germline. Affected: yes. Observed: 1 variant allele.

NM_152743.4(BRAT1):c.1129C>T (p.Pro377Ser)

Gene: BRAT1 (BRCA1 associated ATM activator 1; minus strand). Cytogenetic location: 7p22.3.
Variant type: single nucleotide variant.
Coding change: c.1129C>T on transcript NM_152743.4 (MANE Select); coding-DNA position 1129, C replaced by T.
Protein change: p.Pro377Ser; replaces proline 377 with serine.
Molecular consequence: missense variant. On other transcripts: non-coding transcript variant (1).
Genome position (GRCh38, 1-based): chr7:2,541,723, G>A on the plus strand (C>T on the coding strand, the complement: BRAT1 is on the minus strand). VCF-style: chr7-2541723-G-A. GRCh37 (hg19) VCF-style: chr7-2581357-G-A.
Other names: c.1129C>T, p.Pro377Ser (NM_001350626.2); c.604C>T, p.Pro202Ser (NM_001350627.2); short protein forms P202S, P377S.
Identifiers: ClinVar variation 1299061 (VCV001299061.38), dbSNP rs780327501, ClinGen allele CA4127930.